The following is an entry in ClinVar:

ClinVar aggregate classification (germline): Likely pathogenic (1 of 4 stars; one submission).

Conditions:
Blepharophimosis, ptosis, and epicanthus inversus syndrome. Identifiers: Orphanet 126, MedGen C0220663, MONDO:0007201, OMIM 110100.

Submission:

Greenwood Genetic Center Diagnostic Laboratories, Greenwood Genetic Center
Classification: Likely pathogenic for Blepharophimosis, ptosis, and epicanthus inversus syndrome. Last evaluated: 2023-04-04. Review status: criteria provided, single submitter. Criteria: ACMG Guidelines, 2015. Collection method: clinical testing. Allele origin: germline. Affected: yes.
Comment: PVS1, PM2

NM_023067.4(FOXL2):c.927del (p.Pro310fs)

Gene: FOXL2 (forkhead box L2; minus strand). Cytogenetic location: 3q22.3.
Variant type: Deletion.
Coding change: c.927del on transcript NM_023067.4 (MANE Select); coding-DNA position 927, one base deleted (A; older notation c.927delA).
Protein change: p.Pro310fs; shifts the reading frame from proline 310.
Molecular consequence: frameshift variant.
Genome position (GRCh38, 1-based): chr3:138,945,796, T deleted on the plus strand (A on the coding strand, the reverse complement: FOXL2 is on the minus strand). VCF-style (leftmost placement, unchanged base first): chr3-138945795-GT-G. GRCh37 (hg19) VCF-style: chr3-138664637-GT-G.
Other names: short protein forms P310fs.
Identifiers: ClinVar variation 2572197 (VCV002572197.1), dbSNP rs2473811785, ClinGen allele CA2580615979.